The following is an entry in ClinVar:

NM_001278689.2(EOGT):c.89C>G (p.Pro30Arg)

Gene: EOGT (EGF domain specific O-linked N-acetylglucosamine transferase; minus strand). Cytogenetic location: 3p14.1.
Variant type: single nucleotide variant.
Coding change: c.89C>G on transcript NM_001278689.2 (MANE Select); coding-DNA position 89, C replaced by G.
Protein change: p.Pro30Arg; replaces proline 30 with arginine.
Molecular consequence: missense variant. On other transcripts: non-coding transcript variant (1).
Genome position (GRCh38, 1-based): chr3:69,009,758, G>C on the plus strand (C>G on the coding strand, the complement: EOGT is on the minus strand). VCF-style: chr3-69009758-G-C. GRCh37 (hg19) VCF-style: chr3-69058909-G-C.
Other names: c.89C>G, p.Pro30Arg (NM_173654.3); short protein forms P30R.
Identifiers: ClinVar variation 2401609 (VCV002401609.2), dbSNP rs1011610646, ClinGen allele CA76460442.

ClinVar aggregate classification (germline): Uncertain significance (1 of 4 stars; one submission).

Conditions:
Inborn genetic diseases. Identifiers: MedGen C0950123, MeSH D030342.

Allele frequency attached by ClinVar (database versions not stated): gnomAD 0.00001; TOPMed 0.00002.
gnomAD v4.1: 5 of 1,613,888 alleles (0.00031%); highest among the groups gnomAD compares: Admixed American, 0.0083%; no homozygotes.

Submission:

Ambry Genetics
Classification: Uncertain significance for Inborn genetic diseases. Last evaluated: 2021-02-11. Review status: criteria provided, single submitter. Criteria: Ambry Variant Classification Scheme 2023. Collection method: clinical testing. Allele origin: germline.
Comment: The c.89C>G (p.P30R) alteration is located in exon 4 (coding exon 1) of the EOGT gene. This alteration results from a C to G substitution at nucleotide position 89, causing the proline (P) at amino acid position 30 to be replaced by an arginine (R). Based on data from the Genome Aggregation Database (gnomAD) database, the EOGT c.89C>G alteration was observed in <0.01% (2/251474) of total alleles studied. This amino acid position is not well conserved in available vertebrate species. The p.P30R alteration is predicted to be tolerated by in silico analysis. Based on insufficient or conflicting evidence, the clinical significance of this alteration remains unclear.